The following is an entry in ClinVar:

ClinVar aggregate classification (germline): Uncertain significance (1 of 4 stars; one submission).

Conditions:
Retinitis pigmentosa 12 (RP12). Also called: RP WITH OR WITHOUT PPRPE; RP WITH OR WITHOUT PRESERVED PARAARTERIOLE RETINAL PIGMENT EPITHELIUM; RETINITIS PIGMENTOSA WITH OR WITHOUT PARAARTERIOLAR PRESERVATION OF RETINAL PIGMENT EPITHELIUM. Identifiers: Orphanet 791, MedGen C1838647, MONDO:0010818, OMIM 600105.
Leber congenital amaurosis 8 (LCA8). Identifiers: Orphanet 65, MedGen C3151202, MONDO:0013453, OMIM 613835.

Allele frequency attached by ClinVar (database versions not stated): TOPMed below 0.00001.

Submission:

Labcorp Genetics (formerly Invitae), Labcorp
Classification: Uncertain significance for Leber congenital amaurosis 8; Retinitis pigmentosa 12. Last evaluated: 2022-04-25. Review status: criteria provided, single submitter. Criteria: Invitae Variant Classification Sherloc (09022015). Collection method: clinical testing. Allele origin: germline.
Comment: This sequence change replaces tyrosine, which is neutral and polar, with cysteine, which is neutral and slightly polar, at codon 21 of the CRB1 protein (p.Tyr21Cys). This variant is not present in population databases (gnomAD no frequency). This variant has not been reported in the literature in individuals affected with CRB1-related conditions. Advanced modeling of protein sequence and biophysical properties (such as structural, functional, and spatial information, amino acid conservation, physicochemical variation, residue mobility, and thermodynamic stability) performed at Invitae indicates that this missense variant is not expected to disrupt CRB1 protein function. In summary, the available evidence is currently insufficient to determine the role of this variant in disease. Therefore, it has been classified as a Variant of Uncertain Significance.

NM_201253.3(CRB1):c.62A>G (p.Tyr21Cys)

Gene: CRB1 (crumbs cell polarity complex component 1; plus strand). Cytogenetic location: 1q31.3.
Variant type: single nucleotide variant.
Coding change: c.62A>G on transcript NM_201253.3 (MANE Select); coding-DNA position 62, A replaced by G.
Protein change: p.Tyr21Cys; replaces tyrosine 21 with cysteine.
Molecular consequence: missense variant. On other transcripts: non-coding transcript variant (2), intron variant (1).
Genome position (GRCh38, 1-based): chr1:197,268,474, A>G. VCF-style: chr1-197268474-A-G. GRCh37 (hg19) VCF-style: chr1-197237604-A-G.
Other names: c.62A>G, p.Tyr21Cys (NM_001193640.2, NM_001257966.2); c.-212-33966A>G (NM_001257965.2); short protein forms Y21C.
Identifiers: ClinVar variation 2126958 (VCV002126958.1), dbSNP rs942887802, ClinGen allele CA36039965.
Genomic context (GRCh38, chr1:197,268,474, plus strand): 5'-TGGCACTTAAGAACATTAACTACCTTCTCATCTTCTACCTCAGTTTCTCACTGCTTATCT[A>G]CATAAAAAGTAAGCCTTTCCCACTTTGGGCATTTTTCCTGGTTTATTTCTGGCTTATTAT-3'
Protein context (NP_957705.1, residues 11-31): IFYLSFSLLI[Tyr21Cys]IKNSFCNKNN